The following is an entry in ClinVar:

ClinVar aggregate classification (germline): Uncertain significance. Review status: criteria provided, multiple submitters, no conflicts (2 of 4 stars). 2 submissions from 2 submitters: Uncertain significance (2). Last evaluated 2025-06-12.

Submissions (2):

Labcorp Genetics (formerly Invitae), Labcorp
Classification: Uncertain significance. Last evaluated: 2025-06-12. Review status: criteria provided, single submitter. Criteria: Invitae Variant Classification Sherloc (09022015). Collection method: clinical testing. Allele origin: germline.
Comment: This sequence change replaces arginine, which is basic and polar, with glycine, which is neutral and non-polar, at codon 231 of the NEFH protein (p.Arg231Gly). This variant is not present in population databases (gnomAD no frequency). This variant has not been reported in the literature in individuals affected with NEFH-related conditions. ClinVar contains an entry for this variant (Variation ID: 2653047). Invitae Evidence Modeling of protein sequence and biophysical properties (such as structural, functional, and spatial information, amino acid conservation, physicochemical variation, residue mobility, and thermodynamic stability) indicates that this missense variant is not expected to disrupt NEFH protein function with a negative predictive value of 95%. In summary, the available evidence is currently insufficient to determine the role of this variant in disease. Therefore, it has been classified as a Variant of Uncertain Significance.

CeGaT Center for Human Genetics Tuebingen
Classification: Uncertain significance. Last evaluated: 2022-03-01. Review status: criteria provided, single submitter. Criteria: CeGaT Center For Human Genetics Tuebingen Variant Classification Criteria Version 2. Collection method: clinical testing. Allele origin: germline. Affected: yes. Observed: 1 variant allele.
Comment: NEFH: PM2, PP2

NM_021076.4(NEFH):c.691C>G (p.Arg231Gly)

Gene: NEFH (neurofilament heavy chain; plus strand). Cytogenetic location: 22q12.2.
Variant type: single nucleotide variant.
Coding change: c.691C>G on transcript NM_021076.4 (MANE Select); coding-DNA position 691, C replaced by G.
Protein change: p.Arg231Gly; replaces arginine 231 with glycine.
Molecular consequence: missense variant.
Genome position (GRCh38, 1-based): chr22:29,480,953, C>G. VCF-style: chr22-29480953-C-G. GRCh37 (hg19) VCF-style: chr22-29876942-C-G.
Other names: short protein forms R231G.
Identifiers: ClinVar variation 2653047 (VCV002653047.27), dbSNP rs1315520785, ClinGen allele CA411123672.
Genomic context (GRCh38, chr22:29,480,953, plus strand): 5'-GCGGCGCGCGTGGACCTGCAGAAGAAGGCGCAGGCGCTGCAGGAGGAGTGCGGCTACCTG[C>G]GGCGCCACCACCAGGAAGAGGTGGGCGAGCTGCTCGGCCAGATCCAGGGCTCCGGCGCCG-3'
Protein context (NP_066554.2, residues 221-241): QALQEECGYL[Arg231Gly]RHHQEEVGEL